The following is an entry in ClinVar:

ClinVar aggregate classification (germline): Benign. Review status: criteria provided, multiple submitters, no conflicts (2 of 4 stars). 2 submissions from 2 submitters: Benign (2). Last evaluated 2018-06-19.

Allele frequency attached by ClinVar (database versions not stated): 1000 Genomes Project 0.17971; 1000 Genomes Project 30x 0.18535; gnomAD 0.18598 and 0.19320; TOPMed 0.20170.
gnomAD v4.1: 28,288 of 152,194 alleles (19%); highest among the groups gnomAD compares: African/African-American, 40%; 4,060 homozygotes.

Submissions (2):

GeneDx
Classification: Benign. Last evaluated: 2018-06-19. Review status: criteria provided, single submitter. Criteria: GeneDx Variant Classification (06012015). Collection method: clinical testing. Allele origin: germline. Affected: yes.
Comment: This variant is considered likely benign or benign based on one or more of the following criteria: it is a conservative change, it occurs at a poorly conserved position in the protein, it is predicted to be benign by multiple in silico algorithms, and/or has population frequency not consistent with disease.

Breakthrough Genomics
Classification: Benign. Review status: criteria provided, single submitter. Criteria: ACMG Guidelines, 2015. Collection method: not provided. Allele origin: germline. Inheritance: Autosomal recessive inheritance. Affected: yes.

NM_014252.4(SLC25A15):c.452+159A>G

Gene: SLC25A15 (solute carrier family 25 member 15; plus strand). Cytogenetic location: 13q14.11.
Variant type: single nucleotide variant.
Coding change: c.452+159A>G on transcript NM_014252.4 (MANE Select); 159 bases into the intron after coding-DNA position 452, A replaced by G.
Molecular consequence: intron variant.
Genome position (GRCh38, 1-based): chr13:40,805,414, A>G. VCF-style: chr13-40805414-A-G. GRCh37 (hg19) VCF-style: chr13-41379550-A-G.
Identifiers: ClinVar variation 672019 (VCV000672019.2), dbSNP rs7318125, ClinGen allele CA248379196.